The following is an entry in ClinVar:

ClinVar aggregate classification (germline): Uncertain significance. Review status: criteria provided, multiple submitters, no conflicts (2 of 4 stars). 2 submissions from 2 submitters: Uncertain significance (2). Last evaluated 2022-09-15.

Conditions:
Aicardi-Goutieres syndrome 7 (AGS7). Identifiers: Orphanet 51, MedGen C3888244, MONDO:0014367, OMIM 615846.
Singleton-Merten syndrome 1 (SGMRT1). Also called: Widened medullary cavities of bone, aortic calcification, abnormal dentition, and muscular weakness; Syndrome of widened medullary cavities of the metacarpals and phalanges, aortic calcification and abnormal dentition. Identifiers: Orphanet 85191, MedGen C4225427, MONDO:0024535, OMIM 182250.

gnomAD v4.1: 3 of 1,612,092 alleles (0.00019%); highest among the groups gnomAD compares: Middle Eastern, 0.017%; no homozygotes.

Submissions (2):

Labcorp Genetics (formerly Invitae), Labcorp
Classification: Uncertain significance for Aicardi-Goutieres syndrome 7; Singleton-Merten syndrome 1. Last evaluated: 2022-09-15. Review status: criteria provided, single submitter. Criteria: Invitae Variant Classification Sherloc (09022015). Collection method: clinical testing. Allele origin: germline.
Comment: This sequence change replaces isoleucine, which is neutral and non-polar, with threonine, which is neutral and polar, at codon 410 of the IFIH1 protein (p.Ile410Thr). This variant is not present in population databases (gnomAD no frequency). This variant has not been reported in the literature in individuals affected with IFIH1-related conditions. ClinVar contains an entry for this variant (Variation ID: 393285). Algorithms developed to predict the effect of missense changes on protein structure and function (SIFT, PolyPhen-2, Align-GVGD) all suggest that this variant is likely to be disruptive. In summary, the available evidence is currently insufficient to determine the role of this variant in disease. Therefore, it has been classified as a Variant of Uncertain Significance.

GeneDx
Classification: Uncertain significance. Last evaluated: 2017-02-07. Review status: criteria provided, single submitter. Criteria: GeneDx Variant Classification (06012015). Collection method: clinical testing. Allele origin: germline. Affected: yes.
Comment: The I410T variant in the IFIH1 gene has not been reported previously as a pathogenic variant, nor as a benign variant, to our knowledge. The I410T variant is not observed in large population cohorts (Lek et al., 2016; 1000 Genomes Consortium et al., 2015; Exome Variant Server). The I410T variant is a non-conservative amino acid substitution, which is likely to impact secondary protein structure as these residues differ in polarity, charge, size and/or other properties. This substitution occurs at a position that is conserved across species. In silico analysis predicts this variant is probably damaging to the protein structure/function. We interpret I410T as a variant of uncertain significance.

NM_022168.4(IFIH1):c.1229T>C (p.Ile410Thr)

Gene: IFIH1 (interferon induced with helicase C domain 1; minus strand). Cytogenetic location: 2q24.2.
Variant type: single nucleotide variant.
Coding change: c.1229T>C on transcript NM_022168.4 (MANE Select); coding-DNA position 1229, T replaced by C.
Protein change: p.Ile410Thr; replaces isoleucine 410 with threonine.
Molecular consequence: missense variant.
Genome position (GRCh38, 1-based): chr2:162,282,443, A>G on the plus strand (T>C on the coding strand, the complement: IFIH1 is on the minus strand). VCF-style: chr2-162282443-A-G. GRCh37 (hg19) VCF-style: chr2-163138953-A-G.
Other names: c.1229T>C, p.Ile410Thr (LRG_1235t1); short protein forms I410T.
Identifiers: ClinVar variation 393285 (VCV000393285.7), dbSNP rs746025085, ClinGen allele CA16603898.